The following is an entry in ClinVar:

NM_001267550.2(TTN):c.68537G>C (p.Gly22846Ala)

Genes: TTN (titin; minus strand), TTN-AS1 (TTN antisense RNA 1; plus strand). Cytogenetic location: 2q31.2.
Variant type: single nucleotide variant.
Coding change: c.68537G>C on transcript NM_001267550.2 (MANE Select); coding-DNA position 68537, G replaced by C.
Protein change: p.Gly22846Ala; replaces glycine 22846 with alanine.
Molecular consequence: missense variant.
Genome position (GRCh38, 1-based): chr2:178,577,889, C>G on the plus strand (G>C on the coding strand, the complement: TTN is on the minus strand). VCF-style: chr2-178577889-C-G. GRCh37 (hg19) VCF-style: chr2-179442616-C-G.
Other names: c.63614G>C, p.Gly21205Ala (NM_001256850.1); c.41342G>C, p.Gly13781Ala (NM_003319.4); c.60833G>C, p.Gly20278Ala (NM_133378.4); c.41717G>C, p.Gly13906Ala (NM_133432.3); c.41918G>C, p.Gly13973Ala (NM_133437.4); short protein forms G13781A, G22846A, G13973A, G20278A, G13906A, G21205A.
Identifiers: ClinVar variation 1738102 (VCV001738102.2), dbSNP rs757698964, ClinGen allele CA1991073.
Genomic context (GRCh38, chr2:178,577,889, plus strand): 5'-TTAGGTTCAGTCCAAATGAGAGTCACTGAATTCCTTGTTATGTTAATAACCTCAGGTTTT[C>G]CAGGAGGATCTAAAACATAAAAGCAAAACCAGTCAAACAAATACCAGTTTTCTTCATGTA-3'
Protein context (NP_001254479.2, residues 22836-22856): VVALDPIDPP[Gly22846Ala]KPEVINITRN

ClinVar aggregate classification (germline): Uncertain significance (1 of 4 stars; one submission).

Conditions:
Cardiovascular phenotype. Identifiers: MedGen CN230736.

Allele frequency attached by ClinVar (database versions not stated): ExAC 0.00001; gnomAD 0.00001; TOPMed 0.00001.
gnomAD v4.1: 1 of 1,581,952 alleles (0.000063%); highest among the groups gnomAD compares: African/African-American, 0.0014%; no homozygotes.

Submission:

Ambry Genetics
Classification: Uncertain significance for Cardiovascular phenotype. Last evaluated: 2019-11-08. Review status: criteria provided, single submitter. Criteria: Ambry Variant Classification Scheme 2023. Collection method: clinical testing. Allele origin: germline.
Comment: The p.G13781A variant (also known as c.41342G>C), located in coding exon 150 of the TTN gene, results from a G to C substitution at nucleotide position 41342. The glycine at codon 13781 is replaced by alanine, an amino acid with similar properties. This amino acid position is highly conserved in available vertebrate species. In addition, this alteration is predicted to be tolerated by in silico analysis. Since supporting evidence is limited at this time, the clinical significance of this alteration remains unclear.